The following is an entry in ClinVar:

NM_007294.4(BRCA1):c.5465A>C (p.His1822Pro)

Gene: BRCA1 (BRCA1 DNA repair associated; minus strand). Cytogenetic location: 17q21.31.
Variant type: single nucleotide variant.
Coding change: c.5465A>C on transcript NM_007294.4 (MANE Select); coding-DNA position 5465, A replaced by C.
Protein change: p.His1822Pro; replaces histidine 1822 with proline.
Molecular consequence: missense variant. On other transcripts: synonymous variant (17).
Genome position (GRCh38, 1-based): chr17:43,047,645, T>G on the plus strand (A>C on the coding strand, the complement: BRCA1 is on the minus strand). VCF-style: chr17-43047645-T-G. GRCh37 (hg19) VCF-style: chr17-41199662-T-G.
Other names: c.5258A>C, p.His1753Pro (NM_001407874.1, NM_001407875.1); c.5255A>C, p.His1752Pro (NM_001407879.1, NM_001407881.1, NM_001407882.1 and 5 more transcripts); c.5252A>C, p.His1751Pro (NM_001407894.1, NM_001407895.1, NM_001407896.1 and 12 more transcripts); c.5249A>C, p.His1750Pro (NM_001407915.1, NM_001407916.1, NM_001407917.1 and 1 more transcripts); c.5213A>C, p.His1738Pro (NM_001407919.1); c.5201A>C, p.His1734Pro (NM_001407920.1, NM_001407921.1, NM_001407922.1 and 4 more transcripts); c.5198A>C, p.His1733Pro (NM_001407927.1, NM_001407928.1, NM_001407929.1 and 4 more transcripts); c.5195A>C, p.His1732Pro (NM_001407934.1, NM_001407935.1, NM_001407936.1); and 83 more; short protein forms H1775P, H1843P, H718P, H1822P, H1781P, H1795P, H410P, H542P.
Identifiers: ClinVar variation 868520 (VCV000868520.3), dbSNP rs2050976068, ClinGen allele CA10590427.

Conditions:
Breast-ovarian cancer, familial, susceptibility to, 1 (BROVCA1). Also called: BRCA1 Hereditary Breast and Ovarian Cancer; OVARIAN CANCER, SUSCEPTIBILITY TO. Identifiers: Orphanet 145, MedGen C2676676, MONDO:0011450, OMIM 604370. Disease mechanism: loss of function.

Submission:

Brotman Baty Institute, University of Washington
No classification provided (evidence only). Condition: Breast-ovarian cancer, familial 1. Review status: no classification provided. Collection method: in vitro. Allele origin: not applicable. Functional consequence: functionally_normal.
ClinVar note: "not provided" was previously submitted as the classification for the variant. However, the classification appeared to be based only on an observation of functional data so it was converted to no classification on 2025-07-30.